The following is an entry in ClinVar:

ClinVar aggregate classification (germline): Uncertain significance. Review status: criteria provided, multiple submitters, no conflicts (2 of 4 stars). 3 submissions from 3 submitters: Uncertain significance (3). Last evaluated 2025-06-19.

Conditions:
Hereditary cancer-predisposing syndrome. Also called: Tumor predisposition; Neoplastic Syndromes, Hereditary; Hereditary neoplastic syndrome; Hereditary Cancer Syndrome. Identifiers: Orphanet 140162, MedGen C0027672, MeSH D009386, MONDO:0015356.

Allele frequency attached by ClinVar (database versions not stated): gnomAD exomes 0.00001; TOPMed 0.00001.
gnomAD v4.1: 3 of 1,613,960 alleles (0.00019%); highest among the groups gnomAD compares: East Asian, 0.0022%; no homozygotes.

Submissions (3):

Women's Health and Genetics/Laboratory Corporation of America, LabCorp
Classification: Uncertain significance. Last evaluated: 2025-06-19. Review status: criteria provided, single submitter. Criteria: LabCorp Variant Classification Summary - May 2015. Collection method: clinical testing. Allele origin: germline.
Comment: Variant summary: RAD50 c.400G>A (p.Ala134Thr) results in a non-conservative amino acid change in the encoded protein sequence. Algorithms developed to predict the effect of missense changes on protein structure and function are either unavailable or do not agree on the potential impact of this missense change. The variant was absent in 251390 control chromosomes. The available data on variant occurrences in the general population are insufficient to allow any conclusion about variant significance. To our knowledge, no occurrence of c.400G>A in individuals affected with Nijmegen Breakage Syndrome-Like Disorder and no experimental evidence demonstrating its impact on protein function have been reported. ClinVar contains an entry for this variant (Variation ID: 851538). Based on the evidence outlined above, the variant was classified as uncertain significance.

Labcorp Genetics (formerly Invitae), Labcorp
Classification: Uncertain significance for Hereditary cancer-predisposing syndrome. Last evaluated: 2024-05-20. Review status: criteria provided, single submitter. Criteria: Invitae Variant Classification Sherloc (09022015). Collection method: clinical testing. Allele origin: germline.
Comment: This sequence change replaces alanine, which is neutral and non-polar, with threonine, which is neutral and polar, at codon 134 of the RAD50 protein (p.Ala134Thr). This variant is not present in population databases (gnomAD no frequency). This variant has not been reported in the literature in individuals affected with RAD50-related conditions. ClinVar contains an entry for this variant (Variation ID: 851538). Advanced modeling of protein sequence and biophysical properties (such as structural, functional, and spatial information, amino acid conservation, physicochemical variation, residue mobility, and thermodynamic stability) performed at Invitae indicates that this missense variant is not expected to disrupt RAD50 protein function with a negative predictive value of 80%. In summary, the available evidence is currently insufficient to determine the role of this variant in disease. Therefore, it has been classified as a Variant of Uncertain Significance.

Ambry Genetics
Classification: Uncertain significance for Hereditary cancer-predisposing syndrome. Last evaluated: 2022-10-20. Review status: criteria provided, single submitter. Criteria: Ambry Variant Classification Scheme 2023. Collection method: clinical testing. Allele origin: germline.
Comment: The p.A134T variant (also known as c.400G>A), located in coding exon 4 of the RAD50 gene, results from a G to A substitution at nucleotide position 400. The alanine at codon 134 is replaced by threonine, an amino acid with similar properties. This amino acid position is not well conserved in available vertebrate species, and threonine is the reference amino acid in other vertebrate species. In addition, this alteration is predicted to be tolerated by in silico analysis. Since supporting evidence is limited at this time, the clinical significance of this alteration remains unclear.

NM_005732.4(RAD50):c.400G>A (p.Ala134Thr)

Gene: RAD50 (RAD50 double strand break repair protein; plus strand). Cytogenetic location: 5q31.1.
Variant type: single nucleotide variant.
Coding change: c.400G>A on transcript NM_005732.4 (MANE Select); coding-DNA position 400, G replaced by A.
Protein change: p.Ala134Thr; replaces alanine 134 with threonine.
Molecular consequence: missense variant.
Genome position (GRCh38, 1-based): chr5:132,579,351, G>A. VCF-style: chr5-132579351-G-A. GRCh37 (hg19) VCF-style: chr5-131915043-G-A.
Other names: short protein forms A134T.
Identifiers: ClinVar variation 851538 (VCV000851538.11), dbSNP rs1245673892, ClinGen allele CA360933634.
Genomic context (GRCh38, chr5:132,579,351, plus strand): 5'-ATATTCTTGATTTTCATTTTCTGTAGGCATGGTGAAAAGGTCAGTCTGAGCTCTAAGTGT[G>A]CAGAAATTGACCGAGAAATGATCAGTTCTCTTGGGGTTTCCAAGGCTGTGCTAAATAATG-3'
Protein context (NP_005723.2, residues 124-144): GEKVSLSSKC[Ala134Thr]EIDREMISSL